The following is an entry in ClinVar:

NM_000551.4(VHL):c.3_4insGT (p.Pro2fs)

Gene: VHL (von Hippel-Lindau tumor suppressor; plus strand). Cytogenetic location: 3p25.3.
Variant type: Insertion.
Coding change: c.3_4insGT on transcript NM_000551.4 (MANE Select); coding-DNA positions 3 to 4, GT inserted.
Protein change: p.Pro2fs; shifts the reading frame from proline 2.
Molecular consequence: frameshift variant. On other transcripts: non-coding transcript variant (1).
Genome position: GRCh38 VCF-style: chr3-10141850-G-GGT. GRCh37 (hg19) VCF-style: chr3-10183534-G-GGT.
Other names: c.3_4insGT, p.Pro2fs (NM_001354723.2, NM_198156.3); short protein forms P2fs.
Identifiers: ClinVar variation 3071394 (VCV003071394.1), dbSNP rs2125124378, ClinGen allele CA2825001162.

ClinVar aggregate classification (germline): Uncertain significance (1 of 4 stars; one submission).

Conditions:
Von Hippel-Lindau syndrome (VHLS). Also called: Von Hippel-Lindau; von Hippel–Lindau syndrome; VHL syndrome. Identifiers: Orphanet 892, MedGen C0019562, MONDO:0008667, OMIM 193300. Disease mechanism: loss of function.

Submission:

All of Us Research Program, National Institutes of Health
Classification: Uncertain significance for Von Hippel-Lindau syndrome. Last evaluated: 2023-05-23. Review status: criteria provided, single submitter. Criteria: ACMG Guidelines, 2015. Collection method: clinical testing. Allele origin: germline. Inheritance: Autosomal dominant inheritance. Observed: 1 variant allele, 1 heterozygote.
Comment: This study involves interpretation of variants in research participants for the purpose of population health screening. Participant phenotype was not available at the time of variant classification. Additional details can be found in publication PMID: 35346344, PMCID: PMC8962531